The following is an entry in ClinVar:

NM_022367.4(SEMA4A):c.340G>A (p.Ala114Thr)

Gene: SEMA4A (semaphorin 4A; plus strand). Cytogenetic location: 1q22.
Variant type: single nucleotide variant.
Coding change: c.340G>A on transcript NM_022367.4 (MANE Select); coding-DNA position 340, G replaced by A.
Protein change: p.Ala114Thr; replaces alanine 114 with threonine.
Molecular consequence: missense variant. On other transcripts: 5 prime UTR variant (2).
Genome position (GRCh38, 1-based): chr1:156,158,109, G>A. VCF-style: chr1-156158109-G-A. GRCh37 (hg19) VCF-style: chr1-156127900-G-A.
Other names: c.340G>A (NM_022367.3); c.340G>A, p.Ala114Thr (NM_001193300.2, NM_001193301.2, NM_001370567.1); c.43G>A, p.Ala15Thr (NM_001193302.2, NM_001370568.1); c.-185G>A (NM_001370569.1, NM_001370571.1); short protein forms A15T, A114T.
Identifiers: ClinVar variation 1420556 (VCV001420556.9), dbSNP rs147171759, ClinGen allele CA1155000.
Genomic context (GRCh38, chr1:156,158,109, plus strand): 5'-CTCCCAACTCCCCACTTTCAGATACCGTGGCCAGCCAGTGACAGAAAAAAGAGTGAATGT[G>A]CCTTTAAGAAGAAGAGCAATGAGGTAAGTGGAGGTGGGGGAGTAGGGGTAGAGTGGGTAG-3'
Protein context (NP_071762.2, residues 104-124): PASDRKKSEC[Ala114Thr]FKKKSNETQC

ClinVar aggregate classification (germline): Uncertain significance. Review status: criteria provided, multiple submitters, no conflicts (2 of 4 stars). 2 submissions from 2 submitters: Uncertain significance (2). Last evaluated 2025-10-24.

Allele frequency attached by ClinVar (database versions not stated): gnomAD 0.00001; TOPMed 0.00002; ExAC 0.00003; gnomAD exomes 0.00003 and 0.00004; ESP Exome Variant Server 0.00008.
gnomAD v4.1: 46 of 1,614,066 alleles (0.0028%); highest among the groups gnomAD compares: South Asian, 0.02%; no homozygotes.

Submissions (2):

Ambry Genetics
Classification: Uncertain significance. Last evaluated: 2025-10-24. Review status: criteria provided, single submitter. Criteria: Ambry Variant Classification Scheme 2023. Collection method: clinical testing. Allele origin: germline.

Labcorp Genetics (formerly Invitae), Labcorp
Classification: Uncertain significance. Last evaluated: 2025-08-20. Review status: criteria provided, single submitter. Criteria: Invitae Variant Classification Sherloc (09022015). Collection method: clinical testing. Allele origin: germline.
Comment: This sequence change replaces alanine, which is neutral and non-polar, with threonine, which is neutral and polar, at codon 114 of the SEMA4A protein (p.Ala114Thr). This variant is present in population databases (rs147171759, gnomAD 0.02%). This variant has not been reported in the literature in individuals affected with SEMA4A-related conditions. ClinVar contains an entry for this variant (Variation ID: 1420556). Invitae Evidence Modeling of protein sequence and biophysical properties (such as structural, functional, and spatial information, amino acid conservation, physicochemical variation, residue mobility, and thermodynamic stability) indicates that this missense variant is not expected to disrupt SEMA4A protein function with a negative predictive value of 80%. In summary, the available evidence is currently insufficient to determine the role of this variant in disease. Therefore, it has been classified as a Variant of Uncertain Significance.